The following is an entry in ClinVar:

NM_000321.3(RB1):c.2201C>A (p.Ala734Asp)

Gene: RB1 (RB transcriptional corepressor 1; plus strand). Cytogenetic location: 13q14.2.
Variant type: single nucleotide variant.
Coding change: c.2201C>A on transcript NM_000321.3 (MANE Select); coding-DNA position 2201, C replaced by A.
Protein change: p.Ala734Asp; replaces alanine 734 with aspartic acid.
Molecular consequence: missense variant.
Genome position (GRCh38, 1-based): chr13:48,463,825, C>A. VCF-style: chr13-48463825-C-A. GRCh37 (hg19) VCF-style: chr13-49037961-C-A.
Other names: c.2201C>A, p.Ala734Asp (NM_001407165.1); short protein forms A734D.
Identifiers: ClinVar variation 4151189 (VCV004151189.1).

ClinVar aggregate classification (germline): Uncertain significance (1 of 4 stars; one submission).

Conditions:
Hereditary cancer-predisposing syndrome. Also called: Hereditary neoplastic syndrome; Neoplastic Syndromes, Hereditary; Tumor predisposition; Hereditary Cancer Syndrome. Identifiers: Orphanet 140162, MedGen C0027672, MeSH D009386, MONDO:0015356.

Submission:

Ambry Genetics
Classification: Uncertain significance for Hereditary cancer-predisposing syndrome. Last evaluated: 2025-07-06. Review status: criteria provided, single submitter. Criteria: Ambry Variant Classification Scheme 2023. Collection method: clinical testing. Allele origin: germline.
Comment: The p.A734D variant (also known as c.2201C>A), located in coding exon 21 of the RB1 gene, results from a C to A substitution at nucleotide position 2201. The alanine at codon 734 is replaced by aspartic acid, an amino acid with dissimilar properties. This amino acid position is conserved. In addition, this alteration is predicted to be deleterious by in silico analysis. Based on the available evidence, the clinical significance of this variant remains unclear.